The following is an entry in ClinVar:

NM_206933.4(USH2A):c.785-5T>A

Gene: USH2A (usherin; minus strand). Cytogenetic location: 1q41.
Variant type: single nucleotide variant.
Coding change: c.785-5T>A on transcript NM_206933.4 (MANE Select); 5 bases into the intron before coding-DNA position 785, T replaced by A.
Molecular consequence: intron variant.
Genome position (GRCh38, 1-based): chr1:216,327,659, A>T on the plus strand (T>A on the coding strand, the complement: USH2A is on the minus strand). VCF-style: chr1-216327659-A-T. GRCh37 (hg19) VCF-style: chr1-216501001-A-T.
Other names: c.785-5T>A (NM_007123.6).
Identifiers: ClinVar variation 1027000 (VCV001027000.8), dbSNP rs2037762657, ClinGen allele CA1220653827.
Genomic context (GRCh38, chr1:216,327,659, plus strand): 5'-AAGTGCCACTTGGTATAATCGAAAATCTTGCATTCTTCCGACAAACTGCTCTAAACCTGC[A>T]AATACACACATGTGCATAATATAAGAAGTCTCTGTTTACCAAGCAATACCTGACAAGTAT-3'

ClinVar aggregate classification (germline): Uncertain significance (1 of 4 stars; one submission).

Submission:

Labcorp Genetics (formerly Invitae), Labcorp
Classification: Uncertain significance. Last evaluated: 2025-07-31. Review status: criteria provided, single submitter. Criteria: Invitae Variant Classification Sherloc (09022015). Collection method: clinical testing. Allele origin: germline.
Comment: This sequence change falls in intron 4 of the USH2A gene. It does not directly change the encoded amino acid sequence of the USH2A protein. This variant is not present in population databases (gnomAD no frequency). This variant has been observed in individual(s) with clinical features of USH2A-related conditions (internal data). ClinVar contains an entry for this variant (Variation ID: 1027000). Algorithms developed to predict the effect of sequence changes on RNA splicing suggest that this variant may disrupt the consensus splice site. In summary, the available evidence is currently insufficient to determine the role of this variant in disease. Therefore, it has been classified as a Variant of Uncertain Significance.